The following is an entry in ClinVar:

NM_022436.3(ABCG5):c.1735G>T (p.Glu579Ter)

Genes: ABCG5 (ATP binding cassette subfamily G member 5; minus strand), DYNC2LI1 (dynein cytoplasmic 2 light intermediate chain 1; plus strand). Cytogenetic location: 2p21.
Variant type: single nucleotide variant.
Coding change: c.1735G>T on transcript NM_022436.3 (MANE Select); coding-DNA position 1735, G replaced by T.
Protein change: p.Glu579Ter; replaces glutamic acid 579 with a stop codon.
Molecular consequence: nonsense. On other transcripts: intron variant (2).
Genome position (GRCh38, 1-based): chr2:43,814,504, C>A on the plus strand (G>T on the coding strand, the complement: ABCG5 is on the minus strand). VCF-style: chr2-43814504-C-A. GRCh37 (hg19) VCF-style: chr2-44041643-C-A.
Other names: c.*15+3980C>A (NM_001348913.2, NM_001348912.2); short protein forms E579*.
Identifiers: ClinVar variation 3627815 (VCV003627815.2).
Genomic context (GRCh38, chr2:43,814,504, plus strand): 5'-TGCAAAAATAATATCCCCAAATAGAATACTTACCACAAGTGAAATTCAGTCCGTAGAACT[C>A]ATTGACTACAAGAATCTCACTGCAATATTTTTGGAATGTAAAATAACTGATGATTTTAAA-3'

ClinVar aggregate classification (germline): Pathogenic (1 of 4 stars; one submission).

Conditions:
Sitosterolemia (STSL). Also called: PHYTOSTEROLEMIA. Identifiers: Orphanet 2882, MedGen C0342907, MONDO:0008863.

gnomAD v4.1: 2 of 1,607,626 alleles (0.00012%); highest among the groups gnomAD compares: Non-Finnish European, 0.00017%; no homozygotes.

Submission:

Labcorp Genetics (formerly Invitae), Labcorp
Classification: Pathogenic for Sitosterolemia. Last evaluated: 2024-09-12. Review status: criteria provided, single submitter. Criteria: Invitae Variant Classification Sherloc (09022015). Collection method: clinical testing. Allele origin: germline.
Comment: This sequence change creates a premature translational stop signal (p.Glu579*) in the ABCG5 gene. While this is not anticipated to result in nonsense mediated decay, it is expected to disrupt the last 73 amino acid(s) of the ABCG5 protein. This variant is present in population databases (rs777728065, gnomAD 0.0009%). This variant has not been reported in the literature in individuals affected with ABCG5-related conditions. Algorithms developed to predict the effect of sequence changes on RNA splicing suggest that this variant may disrupt the consensus splice site. This variant disrupts a region of the ABCG5 protein in which other variant(s) (p.Ile639*) have been determined to be pathogenic (PMID: 30697800, 34969652). This suggests that this is a clinically significant region of the protein, and that variants that disrupt it are likely to be disease-causing. For these reasons, this variant has been classified as Pathogenic.

Literature cited by the submitters: PubMed 30697800; PubMed 34969652.